The following is an entry in ClinVar:

NM_003737.4(DCHS1):c.5177G>A (p.Arg1726Lys)

Gene: DCHS1 (dachsous cadherin-related 1; minus strand). Cytogenetic location: 11p15.4.
Variant type: single nucleotide variant.
Coding change: c.5177G>A on transcript NM_003737.4 (MANE Select); coding-DNA position 5177, G replaced by A.
Protein change: p.Arg1726Lys; replaces arginine 1726 with lysine.
Molecular consequence: missense variant.
Genome position (GRCh38, 1-based): chr11:6,628,815, C>T on the plus strand (G>A on the coding strand, the complement: DCHS1 is on the minus strand). VCF-style: chr11-6628815-C-T. GRCh37 (hg19) VCF-style: chr11-6650046-C-T.
Other names: short protein forms R1726K.
Identifiers: ClinVar variation 2770656 (VCV002770656.3), dbSNP rs1207924250, ClinGen allele CA379396807.

ClinVar aggregate classification (germline): Uncertain significance (1 of 4 stars; one submission).

Submission:

Labcorp Genetics (formerly Invitae), Labcorp
Classification: Uncertain significance. Last evaluated: 2023-10-22. Review status: criteria provided, single submitter. Criteria: Invitae Variant Classification Sherloc (09022015). Collection method: clinical testing. Allele origin: germline.
Comment: This sequence change replaces arginine, which is basic and polar, with lysine, which is basic and polar, at codon 1726 of the DCHS1 protein (p.Arg1726Lys). This variant is not present in population databases (gnomAD no frequency). This variant has not been reported in the literature in individuals affected with DCHS1-related conditions. Advanced modeling of protein sequence and biophysical properties (such as structural, functional, and spatial information, amino acid conservation, physicochemical variation, residue mobility, and thermodynamic stability) performed at Invitae indicates that this missense variant is not expected to disrupt DCHS1 protein function. In summary, the available evidence is currently insufficient to determine the role of this variant in disease. Therefore, it has been classified as a Variant of Uncertain Significance.